The following is an entry in ClinVar:

NM_002471.4(MYH6):c.2141G>T (p.Arg714Leu)

Gene: MYH6 (myosin heavy chain 6; minus strand). Cytogenetic location: 14q11.2.
Variant type: single nucleotide variant.
Coding change: c.2141G>T on transcript NM_002471.4 (MANE Select); coding-DNA position 2141, G replaced by T.
Protein change: p.Arg714Leu; replaces arginine 714 with leucine.
Molecular consequence: missense variant.
Genome position (GRCh38, 1-based): chr14:23,396,990, C>A on the plus strand (G>T on the coding strand, the complement: MYH6 is on the minus strand). VCF-style: chr14-23396990-C-A. GRCh37 (hg19) VCF-style: chr14-23866199-C-A.
Other names: short protein forms R714L.
Identifiers: ClinVar variation 391914 (VCV000391914.5), dbSNP rs776602843, ClinGen allele CA16607597.

ClinVar aggregate classification (germline): Uncertain significance. Review status: criteria provided, multiple submitters, no conflicts (2 of 4 stars). 2 submissions from 2 submitters: Uncertain significance (2). Last evaluated 2024-09-23.

Conditions:
Cardiovascular phenotype. Identifiers: MedGen CN230736.

gnomAD v4.1: 1 of 1,613,406 alleles (0.000062%); highest among the groups gnomAD compares: Non-Finnish European, 0.000085%; no homozygotes.

Submissions (2):

Ambry Genetics
Classification: Uncertain significance for Cardiovascular phenotype. Last evaluated: 2024-09-23. Review status: criteria provided, single submitter. Criteria: Ambry Variant Classification Scheme 2023. Collection method: clinical testing. Allele origin: germline.
Comment: The p.R714L variant (also known as c.2141G>T), located in coding exon 16 of the MYH6 gene, results from a G to T substitution at nucleotide position 2141. The arginine at codon 714 is replaced by leucine, an amino acid with dissimilar properties. This amino acid position is conserved. In addition, this alteration is predicted to be deleterious by in silico analysis. Since supporting evidence is limited at this time, the clinical significance of this alteration remains unclear.

GeneDx
Classification: Uncertain significance. Last evaluated: 2017-12-28. Review status: criteria provided, single submitter. Criteria: GeneDx Variant Classification (06012015). Collection method: clinical testing. Allele origin: germline. Affected: yes.
Comment: A variant of uncertain significance has been identified in the MYH6 gene. The R714L variant has not been published as pathogenic or been reported as benign to our knowledge. This variant is also not observed in large population cohorts (Lek et al., 2016). The R714L variant is a non-conservative amino acid substitution, which is likely to impact secondary protein structure as these residues differ in polarity, charge, size and/or other properties. Additionally, in-silico analyses, including protein predictors and evolutionary conservation, support a deleterious effect. Nevertheless, this variant has not been observed in a significant number of affected individuals, and it lacks both large segregation studies and functional evidence which would further clarify its pathogenicity.